The following is an entry in ClinVar:

ClinVar aggregate classification (germline): Uncertain significance (1 of 4 stars; one submission).

gnomAD v4.1: 8 of 1,614,208 alleles (0.0005%); highest among the groups gnomAD compares: African/African-American, 0.008%; no homozygotes.

Submission:

Mayo Clinic Laboratories, Mayo Clinic
Classification: Uncertain significance. Last evaluated: 2025-12-05. Review status: criteria provided, single submitter. Criteria: ACMG Guidelines, 2015. Collection method: clinical testing. Allele origin: germline. Observed: 1 variant allele.
Comment: BP4_moderate

NM_003906.5(MCM3AP):c.4387A>G (p.Lys1463Glu)

Genes: MCM3AP (minichromosome maintenance complex component 3 associated protein; minus strand), MCM3AP-AS1 (MCM3AP antisense RNA 1; plus strand). Cytogenetic location: 21q22.3.
Variant type: single nucleotide variant.
Coding change: c.4387A>G on transcript NM_003906.5 (MANE Select); coding-DNA position 4387, A replaced by G.
Protein change: p.Lys1463Glu; replaces lysine 1463 with glutamic acid.
Molecular consequence: missense variant.
Genome position (GRCh38, 1-based): chr21:46,246,790, T>C on the plus strand (A>G on the coding strand, the complement: MCM3AP is on the minus strand). VCF-style: chr21-46246790-T-C. GRCh37 (hg19) VCF-style: chr21-47666704-T-C.
Other names: p.Lys1463Glu; short protein forms K1463E.
Identifiers: ClinVar variation 4542417 (VCV004542417.1).